The following is an entry in ClinVar:

NM_001013838.3(CARMIL2):c.1115T>G (p.Leu372Arg)

Gene: CARMIL2 (capping protein regulator and myosin 1 linker 2; plus strand). Cytogenetic location: 16q22.1.
Variant type: single nucleotide variant.
Coding change: c.1115T>G on transcript NM_001013838.3 (MANE Select); coding-DNA position 1115, T replaced by G.
Protein change: p.Leu372Arg; replaces leucine 372 with arginine.
Molecular consequence: missense variant.
Genome position (GRCh38, 1-based): chr16:67,648,095, T>G. VCF-style: chr16-67648095-T-G. GRCh37 (hg19) VCF-style: chr16-67681998-T-G.
Other names: c.1115T>G, p.Leu372Arg (NM_001317026.3); short protein forms L372R.
Identifiers: ClinVar variation 565278 (VCV000565278.2), dbSNP rs1567628757, ClinGen allele CA396334712.
Genomic context (GRCh38, chr16:67,648,095, plus strand): 5'-CCCTGTCCTCCCTCCAGGGCCTCTATAGCTTCCTGAGCCGTCCTAACGTACTGTCGTTCC[T>G]GAATCTCGCAGGCACCGACACTGCCCTGGACACTGTGAGGGGGTGCTCCGTGGGGGGATG-3'
Protein context (NP_001013860.1, residues 362-382): FLSRPNVLSF[Leu372Arg]NLAGTDTALD

ClinVar aggregate classification (germline): Likely pathogenic. Review status: criteria provided, single submitter (1 of 4 stars). 2 submissions from 2 submitters: Likely pathogenic (1). 1 of the submissions does not count toward it. Last evaluated 2019-01-08.

Conditions:
Severe combined immunodeficiency due to CARMIL2 deficiency. Also called: IMMUNODEFICIENCY 58. Identifiers: Orphanet 542301, MedGen C4748304, MONDO:0029134, OMIM 618131.

Submissions (2):

SIB Swiss Institute of Bioinformatics
Classification: Likely pathogenic for Severe combined immunodeficiency due to CARMIL2 deficiency. Last evaluated: 2019-01-08. Review status: criteria provided, single submitter. Criteria: ACMG Guidelines, 2015. Collection method: curation. Allele origin: unknown.
Comment: This variant is interpreted as a Likely pathogenic for Immunodeficiency 58, autosomal recessive. The following ACMG Tag(s) were applied: PM2 : Absent from controls (or at extremely low frequency if recessive) in Exome Sequencing Project, 1000 Genomes Project, or Exome Aggregation Consortium. PP3 : Multiple lines of computational evidence support a deleterious effect on the gene or gene product. PP1 : Cosegregation with disease in multiple affected family members in a gene definitively known to cause the disease (PMID:27647349). PS3-Moderate : PS3 downgraded to moderate (PMID:27647349).

OMIM
Classification: Pathogenic for IMMUNODEFICIENCY 58. Last evaluated: 2018-09-28. Review status: no assertion criteria provided. Collection method: literature only. Allele origin: germline. Not counted in ClinVar's aggregate classification.

Literature cited by the submitters: PubMed 27647349 (cited by SIB Swiss Institute of Bioinformatics and OMIM).